The following is an entry in ClinVar:

ClinVar aggregate classification (germline): Uncertain significance. Review status: criteria provided, multiple submitters, no conflicts (2 of 4 stars). 3 submissions from 3 submitters: Uncertain significance (3). Last evaluated 2024-10-18.

Conditions:
Cardiovascular phenotype. Identifiers: MedGen CN230736.
Progressive familial heart block type IB (PFHB1B). Identifiers: Orphanet 871, MedGen C1970298, MONDO:0011474, OMIM 604559.

Allele frequency attached by ClinVar (database versions not stated): gnomAD exomes below 0.00001.

Submissions (3):

Labcorp Genetics (formerly Invitae), Labcorp
Classification: Uncertain significance for Progressive familial heart block type IB. Last evaluated: 2024-10-18. Review status: criteria provided, single submitter. Criteria: Invitae Variant Classification Sherloc (09022015). Collection method: clinical testing. Allele origin: germline.
Comment: This sequence change replaces alanine, which is neutral and non-polar, with threonine, which is neutral and polar, at codon 1190 of the TRPM4 protein (p.Ala1190Thr). The frequency data for this variant in the population databases is considered unreliable, as metrics indicate poor data quality at this position in the gnomAD database. This variant has not been reported in the literature in individuals affected with TRPM4-related conditions. ClinVar contains an entry for this variant (Variation ID: 1036694). An algorithm developed to predict the effect of missense changes on protein structure and function (PolyPhen-2) suggests that this variant is likely to be disruptive. In summary, the available evidence is currently insufficient to determine the role of this variant in disease. Therefore, it has been classified as a Variant of Uncertain Significance.

Ambry Genetics
Classification: Uncertain significance for Cardiovascular phenotype. Last evaluated: 2022-12-06. Review status: criteria provided, single submitter. Criteria: Ambry Variant Classification Scheme 2023. Collection method: clinical testing. Allele origin: germline.
Comment: The p.A1190T variant (also known as c.3568G>A), located in coding exon 24 of the TRPM4 gene, results from a G to A substitution at nucleotide position 3568. The alanine at codon 1190 is replaced by threonine, an amino acid with similar properties. This amino acid position is conserved. In addition, this alteration is predicted to be tolerated by in silico analysis. Since supporting evidence is limited at this time, the clinical significance of this alteration remains unclear.

GeneDx
Classification: Uncertain significance. Last evaluated: 2019-05-29. Review status: criteria provided, single submitter. Criteria: GeneDx Variant Classification Process June 2021. Collection method: clinical testing. Allele origin: germline. Affected: yes.
Comment: Has not been previously published as pathogenic or benign to our knowledge; Not observed in large population cohorts (Lek et al., 2016); In silico analysis, which includes protein predictors and evolutionary conservation, supports that this variant does not alter protein structure/function

NM_017636.4(TRPM4):c.3568G>A (p.Ala1190Thr)

Gene: TRPM4 (transient receptor potential cation channel subfamily M member 4; plus strand). Cytogenetic location: 19q13.33.
Variant type: single nucleotide variant.
Coding change: c.3568G>A on transcript NM_017636.4 (MANE Select); coding-DNA position 3568, G replaced by A.
Protein change: p.Ala1190Thr; replaces alanine 1190 with threonine.
Molecular consequence: missense variant.
Genome position (GRCh38, 1-based): chr19:49,211,197, G>A. VCF-style: chr19-49211197-G-A. GRCh37 (hg19) VCF-style: chr19-49714454-G-A.
Other names: c.3133G>A, p.Ala1045Thr (NM_001195227.2); c.3223G>A, p.Ala1075Thr (NM_001321281.2); c.1960G>A, p.Ala654Thr (NM_001321282.2); c.3046G>A, p.Ala1016Thr (NM_001321283.2); c.2506G>A, p.Ala836Thr (NM_001321285.2); short protein forms A1045T, A1075T, A654T, A1016T, A836T, A1190T.
Identifiers: ClinVar variation 1036694 (VCV001036694.12), dbSNP rs1163408519, ClinGen allele CA406773661.